The following is an entry in ClinVar:

ClinVar aggregate classification (germline): Benign/Likely benign. Review status: criteria provided, multiple submitters, no conflicts (2 of 4 stars). 3 submissions from 3 submitters: Benign (1); Likely benign (2). Last evaluated 2024-10-22.

Conditions:
Hereditary cancer-predisposing syndrome. Also called: Neoplastic Syndromes, Hereditary; Tumor predisposition; Hereditary neoplastic syndrome; Hereditary Cancer Syndrome. Identifiers: Orphanet 140162, MedGen C0027672, MeSH D009386, MONDO:0015356.
Oligodontia-cancer predisposition syndrome. Also called: TOOTH AGENESIS-COLORECTAL CANCER SYNDROME. Identifiers: Orphanet 300576, MedGen C1837750, MONDO:0012075, OMIM 608615. Disease mechanism: loss of function.

Allele frequency attached by ClinVar (database versions not stated): TOPMed 0.00001.

Submissions (3):

Labcorp Genetics (formerly Invitae), Labcorp
Classification: Likely benign for Oligodontia-cancer predisposition syndrome. Last evaluated: 2024-10-22. Review status: criteria provided, single submitter. Criteria: Invitae Variant Classification Sherloc (09022015). Collection method: clinical testing. Allele origin: germline.

Myriad Genetics, Inc.
Classification: Benign for Oligodontia-cancer predisposition syndrome. Last evaluated: 2024-06-27. Review status: criteria provided, single submitter. Criteria: Myriad Autosomal Dominant, Autosomal Recessive and X-Linked Classification Criteria (2023). Collection method: clinical testing. Allele origin: unknown.
Comment: This variant is considered benign. This variant is a silent/synonymous amino acid change and it is not expected to impact splicing.

Ambry Genetics
Classification: Likely benign for Hereditary cancer-predisposing syndrome. Last evaluated: 2023-04-25. Review status: criteria provided, single submitter. Criteria: Ambry Variant Classification Scheme 2023. Collection method: clinical testing. Allele origin: germline.

NM_004655.4(AXIN2):c.669C>G (p.Gly223=)

Gene: AXIN2 (axin 2; minus strand). Cytogenetic location: 17q24.1.
Variant type: single nucleotide variant.
Coding change: c.669C>G on transcript NM_004655.4 (MANE Select); coding-DNA position 669, C replaced by G.
Protein change: p.Gly223=; no amino-acid change (glycine 223 retained).
Molecular consequence: synonymous variant.
Genome position (GRCh38, 1-based): chr17:65,557,952, G>C on the plus strand (C>G on the coding strand, the complement: AXIN2 is on the minus strand). VCF-style: chr17-65557952-G-C. GRCh37 (hg19) VCF-style: chr17-63554070-G-C.
Other names: c.669C>G, p.Gly223= (NM_001363813.1).
Identifiers: ClinVar variation 2145384 (VCV002145384.7), dbSNP rs1279255246, ClinGen allele CA501691423.